The following is an entry in ClinVar:

NM_000051.4(ATM):c.3837G>A (p.Trp1279Ter)

Gene: ATM (ATM serine/threonine kinase; plus strand). Cytogenetic location: 11q22.3.
Variant type: single nucleotide variant.
Coding change: c.3837G>A on transcript NM_000051.4 (MANE Select); coding-DNA position 3837, G replaced by A.
Protein change: p.Trp1279Ter; replaces tryptophan 1279 with a stop codon.
Molecular consequence: nonsense.
Genome position (GRCh38, 1-based): chr11:108,284,317, G>A. VCF-style: chr11-108284317-G-A. GRCh37 (hg19) VCF-style: chr11-108155044-G-A.
Other names: c.3837G>A, p.Trp1279Ter (NM_001351834.2); short protein forms W1279*.
Identifiers: ClinVar variation 3148187 (VCV003148187.1), dbSNP rs2135706408, ClinGen allele CA382525046.

ClinVar aggregate classification (germline): Pathogenic (1 of 4 stars; one submission).

Conditions:
Familial cancer of breast. Also called: BREAST CANCER, FAMILIAL; Hereditary breast cancer; hereditary breast carcinoma. Identifiers: Orphanet 227535, MedGen C0346153, MONDO:0016419, OMIM 114480. Disease mechanism: loss of function.

Submission:

Myriad Genetics, Inc.
Classification: Pathogenic for Familial cancer of breast. Last evaluated: 2024-01-23. Review status: criteria provided, single submitter. Criteria: Myriad Autosomal Dominant, Autosomal Recessive and X-Linked Classification Criteria (2023). Collection method: clinical testing. Allele origin: unknown.
Comment: This variant is considered pathogenic. This variant creates a termination codon and is predicted to result in premature protein truncation.